The following is an entry in ClinVar:

ClinVar aggregate classification (germline): Uncertain significance. Review status: criteria provided, multiple submitters, no conflicts (2 of 4 stars). 3 submissions from 3 submitters: Uncertain significance (3). Last evaluated 2025-02-04.

Conditions:
Hypophosphatemic rickets, X-linked recessive (XLHRR). Identifiers: Orphanet 1652, Orphanet 93622, MedGen C1845168, MONDO:0010358, OMIM 300554.
Dent disease type 1 (DENT1). Also called: NEPHROLITHIASIS 2; NEPHROLITHIASIS, HYPERCALCIURIC, X-LINKED. Identifiers: Orphanet 1652, Orphanet 93622, MedGen C1848336, MONDO:0010225, OMIM 300009.
Proteinuria, low molecular weight, with hypercalciuria and nephrocalcinosis. Identifiers: Orphanet 1652, Orphanet 93622, MedGen C1839874, MONDO:0010644, OMIM 308990.
X-linked recessive nephrolithiasis with renal failure (XRN). Also called: UROLITHIASIS, X-LINKED RECESSIVE, TYPE 1; NEPHROLITHIASIS 1; NEPHROLITHIASIS, X-LINKED RECESSIVE, TYPE 1. Identifiers: Orphanet 1652, Orphanet 93622, MedGen C0403720, MONDO:0010687, OMIM 310468.

Allele frequency attached by ClinVar (database versions not stated): gnomAD exomes 0.00002 and 0.00005; ExAC 0.00005; gnomAD 0.00005 and 0.00007; TOPMed 0.00005; ESP Exome Variant Server 0.00009.
gnomAD v4.1: 61 of 1,209,575 alleles (0.005%); highest among the groups gnomAD compares: Non-Finnish European, 0.0064%; no homozygotes.

Submissions (3):

Labcorp Genetics (formerly Invitae), Labcorp
Classification: Uncertain significance. Last evaluated: 2025-02-04. Review status: criteria provided, single submitter. Criteria: Invitae Variant Classification Sherloc (09022015). Collection method: clinical testing. Allele origin: germline.
Comment: This sequence change replaces valine, which is neutral and non-polar, with isoleucine, which is neutral and non-polar, at codon 699 of the CLCN5 protein (p.Val699Ile). This variant is present in population databases (rs201962580, gnomAD 0.004%). This variant has not been reported in the literature in individuals affected with CLCN5-related conditions. ClinVar contains an entry for this variant (Variation ID: 368487). Invitae Evidence Modeling of protein sequence and biophysical properties (such as structural, functional, and spatial information, amino acid conservation, physicochemical variation, residue mobility, and thermodynamic stability) indicates that this missense variant is not expected to disrupt CLCN5 protein function with a negative predictive value of 80%. In summary, the available evidence is currently insufficient to determine the role of this variant in disease. Therefore, it has been classified as a Variant of Uncertain Significance.

Fulgent Genetics
Classification: Uncertain significance for Dent disease type 1; Hypophosphatemic rickets, X-linked recessive; Proteinuria, low molecular weight, with hypercalciuria and nephrocalcinosis; X-linked recessive nephrolithiasis with renal failure. Last evaluated: 2024-01-05. Review status: criteria provided, single submitter. Criteria: ACMG Guidelines, 2015. Collection method: clinical testing. Allele origin: germline.

Illumina Laboratory Services, Illumina
Classification: Uncertain significance for Dent disease type 1. Last evaluated: 2018-01-12. Review status: criteria provided, single submitter. Criteria: ICSL Variant Classification Criteria 13 December 2019. Collection method: clinical testing. Allele origin: germline.

NM_001127898.4(CLCN5):c.2305G>A (p.Val769Ile)

Genes: CLCN5 (Cl-/H+ antiporter 5; plus strand), LOC126863258 (BRD4-independent group 4 enhancer GRCh37_chrX:49854497-49855696; plus strand). Cytogenetic location: Xp11.23.
Variant type: single nucleotide variant.
Coding change: c.2305G>A on transcript NM_001127898.4 (MANE Select); coding-DNA position 2305, G replaced by A.
Protein change: p.Val769Ile; replaces valine 769 with isoleucine.
Molecular consequence: missense variant.
Genome position (GRCh38, 1-based): chrX:50,090,831, G>A. VCF-style: chrX-50090831-G-A. GRCh37 (hg19) VCF-style: chrX-49855488-G-A.
Other names: c.2095G>A, p.Val699Ile (NM_000084.5); c.2305G>A, p.Val769Ile (NM_001127899.4); c.2155G>A, p.Val719Ile (NM_001282163.2); short protein forms V699I, V769I, V719I.
Identifiers: ClinVar variation 368487 (VCV000368487.10), dbSNP rs201962580, ClinGen allele CA10413989.
Genomic context (GRCh38, chrX:50,090,831, plus strand): 5'-CTTCGGAACATCCTCGATCTCAGCCCCTTCACTGTGACTGACCTTACACCCATGGAGATC[G>A]TAGTGGATATTTTCCGAAAGCTGGGACTGCGGCAGTGCCTGGTTACACACAACGGGTAAG-3'
Protein context (NP_001121370.1, residues 759-779): TVTDLTPMEI[Val769Ile]VDIFRKLGLR